The following is an entry in ClinVar:

NM_017636.4(TRPM4):c.1515T>A (p.His505Gln)

Gene: TRPM4 (transient receptor potential cation channel subfamily M member 4; plus strand). Cytogenetic location: 19q13.33.
Variant type: single nucleotide variant.
Coding change: c.1515T>A on transcript NM_017636.4 (MANE Select); coding-DNA position 1515, T replaced by A.
Protein change: p.His505Gln; replaces histidine 505 with glutamine.
Molecular consequence: missense variant. On other transcripts: 5 prime UTR variant (1).
Genome position (GRCh38, 1-based): chr19:49,182,829, T>A. VCF-style: chr19-49182829-T-A. GRCh37 (hg19) VCF-style: chr19-49686086-T-A.
Other names: c.1515T>A, p.His505Gln (NM_001195227.2); c.1170T>A, p.His390Gln (NM_001321281.2); c.-39T>A (NM_001321282.2); c.993T>A, p.His331Gln (NM_001321283.2); c.453T>A, p.His151Gln (NM_001321285.2); short protein forms H151Q, H331Q, H390Q, H505Q.
Identifiers: ClinVar variation 1318790 (VCV001318790.4), dbSNP rs1202211366, ClinGen allele CA406799588.
Genomic context (GRCh38, chr19:49,182,829, plus strand): 5'-CACCAAAGCCCCAGCCCTAAAAGGGGGAGCTGCGGAGCTCCGGCCCCCTGACGTGGGGCA[T>A]GTGCTGAGGATGCTGCTGGGGAAGATGTGCGCGCCGAGGTACCCCTCCGGGGGCGCCTGG-3'
Protein context (NP_060106.2, residues 495-515): AAELRPPDVG[His505Gln]VLRMLLGKMC

ClinVar aggregate classification (germline): Conflicting classifications of pathogenicity. Review status: criteria provided, conflicting classifications (1 of 4 stars). 2 submissions from 2 submitters: Uncertain significance (1); Likely benign (1). Last evaluated 2021-11-24.

Conditions:
Cardiovascular phenotype. Identifiers: MedGen CN230736.

Allele frequency attached by ClinVar (database versions not stated): TOPMed below 0.00001; gnomAD exomes 0.00001.
gnomAD v4.1: 16 of 1,613,096 alleles (0.00099%); highest among the groups gnomAD compares: Non-Finnish European, 0.0014%; no homozygotes.

Submissions (2):

Ambry Genetics
Classification: Likely benign for Cardiovascular phenotype. Last evaluated: 2021-11-24. Review status: criteria provided, single submitter. Criteria: Ambry Variant Classification Scheme 2023. Collection method: clinical testing. Allele origin: germline.

GeneDx
Classification: Uncertain significance. Last evaluated: 2018-11-06. Review status: criteria provided, single submitter. Criteria: GeneDx Variant Classification Process June 2021. Collection method: clinical testing. Allele origin: germline. Affected: yes.
Comment: Not observed at any significant frequency in large population cohorts (Lek et al., 2016); In silico analysis, which includes protein predictors and evolutionary conservation, supports that this variant does not alter protein structure/function; Has not been previously published as pathogenic or benign to our knowledge